The following is an entry in ClinVar:

NM_001844.5(COL2A1):c.692G>A (p.Gly231Asp)

Gene: COL2A1 (collagen type II alpha 1 chain; minus strand). Cytogenetic location: 12q13.11.
Variant type: single nucleotide variant.
Coding change: c.692G>A on transcript NM_001844.5 (MANE Select); coding-DNA position 692, G replaced by A.
Protein change: p.Gly231Asp; replaces glycine 231 with aspartic acid.
Molecular consequence: missense variant.
Genome position (GRCh38, 1-based): chr12:47,995,726, C>T on the plus strand (G>A on the coding strand, the complement: COL2A1 is on the minus strand). VCF-style: chr12-47995726-C-T. GRCh37 (hg19) VCF-style: chr12-48389509-C-T.
Other names: c.485G>A, p.Gly162Asp (NM_033150.3); short protein forms G162D, G231D.
Identifiers: ClinVar variation 3255203 (VCV003255203.2), dbSNP rs2540174508.

ClinVar aggregate classification (germline): Likely pathogenic (1 of 4 stars; one submission).

Conditions:
Type 2 collagenopathy. Identifiers: Orphanet 93421, MedGen C2931073, MONDO:0022800.

Submission:

Victorian Clinical Genetics Services, Murdoch Childrens Research Institute
Classification: Likely pathogenic for Type 2 collagenopathy. Last evaluated: 2023-12-21. Review status: criteria provided, single submitter. Criteria: ACMG Guidelines, 2015. Collection method: clinical testing. Allele origin: germline. Inheritance: Autosomal recessive inheritance. Affected: yes.
Comment: Based on the classification scheme VCGS_Germline_v1.3.4, this variant is classified as Likely pathogenic. Following criteria are met: 0103 - Dominant negative and loss of function are known mechanisms of disease in this gene and are associated with COL2A1-related disorders. Loss of function variants have been reported to cause Stickler syndrome, whereas missense variants with a dominant negative effect on protein function result in spondyloepiphyseal or spondyloepimetaphyseal dysplasia (OMIM, PMIDs: 35052477, 15895462). (I) 0107 - This gene is associated with autosomal dominant disease. (I) 0115 - Variants in this gene are known to have variable expressivity (PMID: 20301479). (I) 0200 - Variant is predicted to result in a missense amino acid change from glycine to aspartic acid. (I) 0251 - This variant is heterozygous. (I) 0301 - Variant is absent from gnomAD (both v2 and v3). (SP) 0501 - Missense variant consistently predicted to be damaging by multiple in silico tools or highly conserved with a major amino acid change. (SP) 0601 - Variant is located in the well-established functional Gly-X-Y motif and affects a glycine residue (DECIPHER). (SP) 0705 - No comparable missense variants have previous evidence for pathogenicity. (I) 0803 - This variant has limited previous evidence of pathogenicity in an unrelated individual. This variant has been observed in an individual reported to be affected with Stickler syndrome, type I (PMID: 26626311). (SP) 0905 - No published segregation evidence has been identified for this variant. (I) 1007 - No published functional evidence has been identified for this variant. (I) 1208 - Inheritance information for this variant is not currently available in this individual. (I) Legend: (SP) - Supporting pathogenic, (I) - Information, (SB) - Supporting benign

Literature cited by the submitters: PubMed 15895462; PubMed 20301479; PubMed 26626311; PubMed 35052477.